The following is an entry in ClinVar:

NM_001349253.2(SCN11A):c.2369T>C (p.Val790Ala)

Gene: SCN11A (sodium voltage-gated channel alpha subunit 11; minus strand). Cytogenetic location: 3p22.2.
Variant type: single nucleotide variant.
Coding change: c.2369T>C on transcript NM_001349253.2 (MANE Select); coding-DNA position 2369, T replaced by C.
Protein change: p.Val790Ala; replaces valine 790 with alanine.
Molecular consequence: missense variant.
Genome position (GRCh38, 1-based): chr3:38,896,879, A>G on the plus strand (T>C on the coding strand, the complement: SCN11A is on the minus strand). VCF-style: chr3-38896879-A-G. GRCh37 (hg19) VCF-style: chr3-38938370-A-G.
Other names: c.2369T>C, p.Val790Ala (NM_014139.3); short protein forms V790A.
Identifiers: ClinVar variation 3757589 (VCV003757589.2).

ClinVar aggregate classification (germline): Uncertain significance (1 of 4 stars; one submission).

Conditions:
Hereditary sensory and autonomic neuropathy type 7. Also called: Neuropathy, hereditary sensory and autonomic, type VII; HSAN VII. Identifiers: Orphanet 391397, MedGen C3809882, MONDO:0014244, OMIM 615548.
Familial episodic pain syndrome with predominantly lower limb involvement. Also called: Episodic pain syndrome, familial, 3. Identifiers: Orphanet 391384, Orphanet 391392, MedGen C3809899, MONDO:0014247, OMIM 615552.

gnomAD v4.1: 1 of 1,604,286 alleles (0.000062%); highest among the groups gnomAD compares: Admixed American, 0.0017%; no homozygotes.

Submission:

Labcorp Genetics (formerly Invitae), Labcorp
Classification: Uncertain significance for Familial episodic pain syndrome with predominantly lower limb involvement; Hereditary sensory and autonomic neuropathy type 7. Last evaluated: 2024-08-08. Review status: criteria provided, single submitter. Criteria: Invitae Variant Classification Sherloc (09022015). Collection method: clinical testing. Allele origin: germline.
Comment: This sequence change replaces valine, which is neutral and non-polar, with alanine, which is neutral and non-polar, at codon 790 of the SCN11A protein (p.Val790Ala). This variant is not present in population databases (gnomAD no frequency). This variant has not been reported in the literature in individuals affected with SCN11A-related conditions. Advanced modeling of protein sequence and biophysical properties (such as structural, functional, and spatial information, amino acid conservation, physicochemical variation, residue mobility, and thermodynamic stability) performed at Invitae indicates that this missense variant is expected to disrupt SCN11A protein function with a positive predictive value of 80%. In summary, the available evidence is currently insufficient to determine the role of this variant in disease. Therefore, it has been classified as a Variant of Uncertain Significance.